The following is an entry in ClinVar:

ClinVar aggregate classification (germline): Uncertain significance. Review status: criteria provided, multiple submitters, no conflicts (2 of 4 stars). 5 submissions from 5 submitters: Uncertain significance (5). Last evaluated 2025-10-01.

Conditions:
SPG7-related disorder. Also called: SPG7-related condition.
Hereditary spastic paraplegia 7 (SPG7). Also called: SPG7-related neurologic disorder; SPASTIC PARAPLEGIA 7, AUTOSOMAL RECESSIVE, WITH OR WITHOUT CEREBELLAR ATAXIA; Spastic paraplegia 7; Hereditary spastic paraplegia Paraplegin type; Autosomal recessive spastic paraplegia type 7. Identifiers: Orphanet 99013, MedGen C1846564, MONDO:0011803, OMIM 607259.

Allele frequency attached by ClinVar (database versions not stated): gnomAD 0.00001 and 0.00002; TOPMed 0.00002; gnomAD exomes 0.00004; ExAC 0.00006; ESP Exome Variant Server 0.00008.
gnomAD v4.1: 33 of 1,613,682 alleles (0.002%); highest among the groups gnomAD compares: South Asian, 0.0044%; no homozygotes.

Submissions (5):

CeGaT Center for Human Genetics Tuebingen
Classification: Uncertain significance. Last evaluated: 2025-10-01. Review status: criteria provided, single submitter. Criteria: CeGaT Center For Human Genetics Tuebingen Variant Classification Criteria Version 2. Collection method: clinical testing. Allele origin: germline. Affected: yes. Observed: 1 variant allele.

PreventionGenetics, part of Exact Sciences
Classification: Uncertain significance for SPG7-related condition. Last evaluated: 2025-08-08. Review status: criteria provided, single submitter. Criteria: ACMG Guidelines, 2015. Collection method: clinical testing. Allele origin: germline.
Comment: The SPG7 c.1256C>T variant is predicted to result in the amino acid substitution p.Thr419Ile. To our knowledge, this variant has not been reported in the literature. This variant is reported in 0.0086% of alleles in individuals of European (Non-Finnish) descent in gnomAD. At this time, the clinical significance of this variant is uncertain due to the absence of conclusive functional and genetic evidence.

GeneDx
Classification: Uncertain significance. Last evaluated: 2025-07-14. Review status: criteria provided, single submitter. Criteria: GeneDx Variant Classification Process June 2021. Collection method: clinical testing. Allele origin: germline. Affected: yes.
Comment: In silico analysis supports that this missense variant has a deleterious effect on protein structure/function; Has not been previously published as pathogenic or benign to our knowledge; This variant is associated with the following publications: (PMID: 22571692)

Labcorp Genetics (formerly Invitae), Labcorp
Classification: Uncertain significance for Hereditary spastic paraplegia 7. Last evaluated: 2023-07-17. Review status: criteria provided, single submitter. Criteria: Invitae Variant Classification Sherloc (09022015). Collection method: clinical testing. Allele origin: germline.
Comment: In summary, the available evidence is currently insufficient to determine the role of this variant in disease. Therefore, it has been classified as a Variant of Uncertain Significance. Advanced modeling of protein sequence and biophysical properties (such as structural, functional, and spatial information, amino acid conservation, physicochemical variation, residue mobility, and thermodynamic stability) performed at Invitae indicates that this missense variant is not expected to disrupt SPG7 protein function. ClinVar contains an entry for this variant (Variation ID: 1434972). This variant has not been reported in the literature in individuals affected with SPG7-related conditions. This variant is present in population databases (rs371504521, gnomAD 0.007%). This sequence change replaces threonine, which is neutral and polar, with isoleucine, which is neutral and non-polar, at codon 419 of the SPG7 protein (p.Thr419Ile).

Fulgent Genetics
Classification: Uncertain significance for Hereditary spastic paraplegia 7. Last evaluated: 2022-02-03. Review status: criteria provided, single submitter. Criteria: ACMG Guidelines, 2015. Collection method: clinical testing. Allele origin: unknown.

NM_003119.4(SPG7):c.1256C>T (p.Thr419Ile)

Gene: SPG7 (SPG7 matrix AAA peptidase subunit, paraplegin; plus strand). Cytogenetic location: 16q24.3.
Variant type: single nucleotide variant.
Coding change: c.1256C>T on transcript NM_003119.4 (MANE Select); coding-DNA position 1256, C replaced by T.
Protein change: p.Thr419Ile; replaces threonine 419 with isoleucine.
Molecular consequence: missense variant.
Genome position (GRCh38, 1-based): chr16:89,532,568, C>T. VCF-style: chr16-89532568-C-T. GRCh37 (hg19) VCF-style: chr16-89598976-C-T.
Other names: c.1256C>T (NM_003119.2, NM_003119.3); c.1256C>T, p.Thr419Ile (NM_001363850.1, NM_199367.3); short protein forms T419I.
Identifiers: ClinVar variation 1434972 (VCV001434972.17), dbSNP rs371504521, ClinGen allele CA8244012.